The following is an entry in ClinVar:

ClinVar aggregate classification (germline): Uncertain significance. Review status: criteria provided, multiple submitters, no conflicts (2 of 4 stars). 2 submissions from 2 submitters: Uncertain significance (2). Last evaluated 2025-09-02.

Conditions:
Inborn genetic diseases. Identifiers: MedGen C0950123, MeSH D030342.
Osteogenesis imperfecta type 8 (OI8). Identifiers: MedGen C1970458, MONDO:0012581, OMIM 610915.

gnomAD v4.1: 1 of 1,614,194 alleles (0.000062%); highest among the groups gnomAD compares: African/African-American, 0.0013%; no homozygotes.

Submissions (2):

Labcorp Genetics (formerly Invitae), Labcorp
Classification: Uncertain significance for Osteogenesis imperfecta type 8. Last evaluated: 2025-09-02. Review status: criteria provided, single submitter. Criteria: Invitae Variant Classification Sherloc (09022015). Collection method: clinical testing. Allele origin: germline.
Comment: This sequence change replaces glutamic acid, which is acidic and polar, with lysine, which is basic and polar, at codon 218 of the P3H1 protein (p.Glu218Lys). This variant is not present in population databases (gnomAD no frequency). This variant has not been reported in the literature in individuals affected with P3H1-related conditions. Invitae Evidence Modeling of protein sequence and biophysical properties (such as structural, functional, and spatial information, amino acid conservation, physicochemical variation, residue mobility, and thermodynamic stability) indicates that this missense variant is not expected to disrupt P3H1 protein function with a negative predictive value of 80%. In summary, the available evidence is currently insufficient to determine the role of this variant in disease. Therefore, it has been classified as a Variant of Uncertain Significance.

Ambry Genetics
Classification: Uncertain significance for Inborn genetic diseases. Last evaluated: 2025-08-21. Review status: criteria provided, single submitter. Criteria: Ambry Variant Classification Scheme 2023. Collection method: clinical testing. Allele origin: germline.

NM_022356.4(P3H1):c.652G>A (p.Glu218Lys)

Gene: P3H1 (prolyl 3-hydroxylase 1; minus strand). Cytogenetic location: 1p34.2.
Variant type: single nucleotide variant.
Coding change: c.652G>A on transcript NM_022356.4 (MANE Select); coding-DNA position 652, G replaced by A.
Protein change: p.Glu218Lys; replaces glutamic acid 218 with lysine.
Molecular consequence: missense variant.
Genome position (GRCh38, 1-based): chr1:42,759,357, C>T on the plus strand (G>A on the coding strand, the complement: P3H1 is on the minus strand). VCF-style: chr1-42759357-C-T. GRCh37 (hg19) VCF-style: chr1-43225028-C-T.
Other names: c.652G>A, p.Glu218Lys (NM_001146289.2, NM_001243246.2); short protein forms E218K.
Identifiers: ClinVar variation 4129794 (VCV004129794.2).
Genomic context (GRCh38, chr1:42,759,357, plus strand): 5'-CCACAAAGTATTCTTGCAGCGCCGCCTCTAGGTGGGGCACAGCTTCCTGTGGCTGTTCCT[C>T]TGAGTAGAGTCGCACTCCCAGTCGAAATTCTTGCTACTGGGAAGAAGGAGCACTCAAATG-3'
Protein context (NP_071751.3, residues 208-228): EFRLGVRLYS[Glu218Lys]EQPQEAVPHL